The following is an entry in ClinVar:

NM_018192.4(P3H2):c.963G>A (p.Glu321=)

Gene: P3H2 (prolyl 3-hydroxylase 2; minus strand). Cytogenetic location: 3q28.
Variant type: single nucleotide variant.
Coding change: c.963G>A on transcript NM_018192.4 (MANE Select); coding-DNA position 963, G replaced by A.
Protein change: p.Glu321=; no amino-acid change (glutamic acid 321 retained).
Molecular consequence: synonymous variant.
Genome position (GRCh38, 1-based): chr3:189,987,662, C>T on the plus strand (G>A on the coding strand, the complement: P3H2 is on the minus strand). VCF-style: chr3-189987662-C-T. GRCh37 (hg19) VCF-style: chr3-189705451-C-T.
Other names: c.420G>A, p.Glu140= (NM_001134418.2).
Identifiers: ClinVar variation 724987 (VCV000724987.13), dbSNP rs115135098, ClinGen allele CA2753145.

ClinVar aggregate classification (germline): Likely benign. Review status: criteria provided, multiple submitters, no conflicts (2 of 4 stars). 3 submissions from 3 submitters: Likely benign (3). Last evaluated 2026-04-01.

Allele frequency attached by ClinVar (database versions not stated): ExAC 0.00034; gnomAD exomes 0.00038 and 0.00070; gnomAD 0.00050 and 0.00052; TOPMed 0.00057; 1000 Genomes Project 0.00060; 1000 Genomes Project 30x 0.00062; ESP Exome Variant Server 0.00077.
gnomAD v4.1: 1,084 of 1,614,076 alleles (0.067%); highest among the groups gnomAD compares: Non-Finnish European, 0.081%; no homozygotes.

Submissions (3):

CeGaT Center for Human Genetics Tuebingen
Classification: Likely benign. Last evaluated: 2026-04-01. Review status: criteria provided, single submitter. Criteria: CeGaT Center For Human Genetics Tuebingen Variant Classification Criteria Version 2. Collection method: clinical testing. Allele origin: germline. Affected: yes. Observed: 1 variant allele.
Comment: P3H2: BP4, BP7

Labcorp Genetics (formerly Invitae), Labcorp
Classification: Likely benign. Last evaluated: 2025-09-02. Review status: criteria provided, single submitter. Criteria: Invitae Variant Classification Sherloc (09022015). Collection method: clinical testing. Allele origin: germline.

Blueprint Genetics
Classification: Likely benign. Last evaluated: 2024-11-07. Review status: criteria provided, single submitter. Criteria: ACMG Guidelines, 2015. Collection method: clinical testing. Allele origin: germline.